The following is an entry in ClinVar:

NM_002439.5(MSH3):c.3184G>C (p.Gly1062Arg)

Gene: MSH3 (mutS homolog 3; plus strand). Cytogenetic location: 5q14.1.
Variant type: single nucleotide variant.
Coding change: c.3184G>C on transcript NM_002439.5 (MANE Select); coding-DNA position 3184, G replaced by C.
Protein change: p.Gly1062Arg; replaces glycine 1062 with arginine.
Molecular consequence: missense variant.
Genome position (GRCh38, 1-based): chr5:80,873,169, G>C. VCF-style: chr5-80873169-G-C. GRCh37 (hg19) VCF-style: chr5-80168988-G-C.
Other names: short protein forms G1062R.
Identifiers: ClinVar variation 848654 (VCV000848654.10), dbSNP rs756886395, ClinGen allele CA360346896.

ClinVar aggregate classification (germline): Uncertain significance. Review status: criteria provided, multiple submitters, no conflicts (2 of 4 stars). 3 submissions from 3 submitters: Uncertain significance (3). Last evaluated 2025-08-17.

Conditions:
Endometrial carcinoma. Also called: Endometrial carcinoma, somatic. Identifiers: MedGen C0476089, MONDO:0002447, OMIM 608089, HP:0012114.
Hereditary cancer-predisposing syndrome. Also called: Tumor predisposition; Neoplastic Syndromes, Hereditary; Hereditary neoplastic syndrome; Hereditary Cancer Syndrome. Identifiers: Orphanet 140162, MedGen C0027672, MeSH D009386, MONDO:0015356.

gnomAD v4.1: 1 of 1,613,834 alleles (0.000062%); highest among the groups gnomAD compares: Non-Finnish European, 0.000085%; no homozygotes.

Submissions (3):

Labcorp Genetics (formerly Invitae), Labcorp
Classification: Uncertain significance. Last evaluated: 2025-08-17. Review status: criteria provided, single submitter. Criteria: Invitae Variant Classification Sherloc (09022015). Collection method: clinical testing. Allele origin: germline.
Comment: This sequence change replaces glycine, which is neutral and non-polar, with arginine, which is basic and polar, at codon 1062 of the MSH3 protein (p.Gly1062Arg). This variant is present in population databases (no rsID available, gnomAD 0.0009%). This variant has not been reported in the literature in individuals affected with MSH3-related conditions. ClinVar contains an entry for this variant (Variation ID: 848654). An algorithm developed to predict the effect of missense changes on protein structure and function (PolyPhen-2) suggests that this variant is likely to be disruptive. In summary, the available evidence is currently insufficient to determine the role of this variant in disease. Therefore, it has been classified as a Variant of Uncertain Significance.

Ambry Genetics
Classification: Uncertain significance for Hereditary cancer-predisposing syndrome. Last evaluated: 2025-03-22. Review status: criteria provided, single submitter. Criteria: Ambry Variant Classification Scheme 2023. Collection method: clinical testing. Allele origin: germline.
Comment: The p.G1062R variant (also known as c.3184G>C), located in coding exon 23 of the MSH3 gene, results from a G to C substitution at nucleotide position 3184. The glycine at codon 1062 is replaced by arginine, an amino acid with dissimilar properties. This amino acid position is highly conserved in available vertebrate species. In addition, this alteration is predicted to be deleterious by in silico analysis. Since supporting evidence is limited at this time, the clinical significance of this alteration remains unclear.

Baylor Genetics
Classification: Uncertain significance for Endometrial carcinoma. Last evaluated: 2023-12-25. Review status: criteria provided, single submitter. Criteria: ACMG Guidelines, 2015. Collection method: clinical testing. Allele origin: unknown.